The following is an entry in ClinVar:

NM_004356.4(CD81):c.40C>T (p.Leu14Phe)

Genes: CD81 (CD81 molecule; plus strand), CD81-AS1 (CD81 antisense RNA 1; minus strand). Cytogenetic location: 11p15.5.
Variant type: single nucleotide variant.
Coding change: c.40C>T on transcript NM_004356.4 (MANE Select); coding-DNA position 40, C replaced by T.
Protein change: p.Leu14Phe; replaces leucine 14 with phenylalanine.
Molecular consequence: missense variant. On other transcripts: non-coding transcript variant (1), 5 prime UTR variant (1), intron variant (2).
Genome position (GRCh38, 1-based): chr11:2,377,589, C>T. VCF-style: chr11-2377589-C-T. GRCh37 (hg19) VCF-style: chr11-2398819-C-T.
Other names: c.-170C>T (NM_001425130.1); c.40C>T, p.Leu14Phe (NM_001425135.1, NM_001425137.1); c.-148+669C>T (NM_001425129.1); c.-148+1232C>T (NM_001297649.2); short protein forms L14F.
Identifiers: ClinVar variation 3665558 (VCV003665558.2).
Genomic context (GRCh38, chr11:2,377,589, plus strand): 5'-CCGCCCGCCGCCCGCGCCGCCATGGGAGTGGAGGGCTGCACCAAGTGCATCAAGTACCTG[C>T]TCTTCGTCTTCAATTTCGTCTTCTGGGTAAGGGCTGCGCCGGGGGCCGGGGCGGGAGGGG-3'
Protein context (NP_004347.1, residues 4-24): EGCTKCIKYL[Leu14Phe]FVFNFVFWLA

ClinVar aggregate classification (germline): Uncertain significance (1 of 4 stars; one submission).

gnomAD v4.1: 5 of 1,542,140 alleles (0.00032%); highest among the groups gnomAD compares: Non-Finnish European, 0.00044%; no homozygotes.

Submission:

Labcorp Genetics (formerly Invitae), Labcorp
Classification: Uncertain significance. Last evaluated: 2024-08-12. Review status: criteria provided, single submitter. Criteria: Invitae Variant Classification Sherloc (09022015). Collection method: clinical testing. Allele origin: germline.
Comment: This sequence change replaces leucine, which is neutral and non-polar, with phenylalanine, which is neutral and non-polar, at codon 14 of the CD81 protein (p.Leu14Phe). The frequency data for this variant in the population databases is considered unreliable, as metrics indicate poor data quality at this position in the gnomAD database. This variant has not been reported in the literature in individuals affected with CD81-related conditions. An algorithm developed to predict the effect of missense changes on protein structure and function (PolyPhen-2) suggests that this variant is likely to be disruptive. In summary, the available evidence is currently insufficient to determine the role of this variant in disease. Therefore, it has been classified as a Variant of Uncertain Significance.